The following is an entry in ClinVar:

ClinVar aggregate classification (germline): Likely pathogenic (1 of 4 stars; one submission).

Conditions:
MPDU1-congenital disorder of glycosylation. Also called: CDG If; CONGENITAL DISORDER OF GLYCOSYLATION, TYPE If; MPDU1-CDG. Identifiers: Orphanet 79323, MedGen C1836669, MONDO:0012211, OMIM 609180.

Submission:

Juno Genomics, Hangzhou Juno Genomics, Inc
Classification: Likely pathogenic for MPDU1-congenital disorder of glycosylation. Review status: criteria provided, single submitter. Criteria: ACMG Guidelines, 2015. Collection method: clinical testing. Allele origin: germline. Affected: yes.
Comment: Null variant in a gene where loss of function (LOF) is a known mechanism of disease.;Absent from controls (or at extremely low frequency if recessive) in Genome Aggregation Database, Exome Sequencing Project, 1000 Genomes Project, or Exome Aggregation Consortium.

NM_004870.4(MPDU1):c.193del (p.Ile65fs)

Gene: MPDU1 (mannose-P-dolichol utilization defect 1; plus strand). Cytogenetic location: 17p13.1.
Variant type: Deletion.
Coding change: c.193del on transcript NM_004870.4 (MANE Select); coding-DNA position 193, one base deleted (A; older notation c.193delA).
Protein change: p.Ile65fs; shifts the reading frame from isoleucine 65.
Molecular consequence: frameshift variant. On other transcripts: non-coding transcript variant (1).
Genome position (GRCh38, 1-based): chr17:7,585,969, A deleted; the last of 4 consecutive A bases (chr17:7,585,966-7,585,969); deleting any one gives the same sequence. VCF-style (leftmost placement, unchanged base first): chr17-7585965-TA-T. GRCh37 (hg19) VCF-style: chr17-7489283-TA-T.
Other names: c.193del, p.Ile65fs (NM_001330073.1); short protein forms I65fs.
Identifiers: ClinVar variation 3381955 (VCV003381955.2).